The following is an entry in ClinVar:

NM_001128425.2(MUTYH):c.35G>A (p.Trp12Ter)

Genes: MUTYH (mutY DNA glycosylase; minus strand), TOE1 (target of EGR1, exonuclease; plus strand). Cytogenetic location: 1p34.1.
Variant type: single nucleotide variant.
Coding change: c.35G>A on transcript NM_001128425.2 (MANE Plus Clinical); coding-DNA position 35, G replaced by A.
Protein change: p.Trp12Ter; replaces tryptophan 12 with a stop codon.
Molecular consequence: nonsense. On other transcripts: 5 prime UTR variant (7), non-coding transcript variant (2), intron variant (1).
Genome position (GRCh38, 1-based): chr1:45,340,220, C>T on the plus strand (G>A on the coding strand, the complement: MUTYH is on the minus strand). VCF-style: chr1-45340220-C-T. GRCh37 (hg19) VCF-style: chr1-45805892-C-T.
Other names: c.-33C>T (NM_025077.4); c.-8G>A (NM_001048171.2); c.35G>A, p.Trp12Ter (NM_001293190.2, NM_001407069.1, NM_001407073.1 and 1 more transcripts); c.-220G>A (NM_001293192.2); c.-279G>A (NM_001350650.2); c.-215G>A (NM_001350651.2); c.-24G>A (NM_001407070.1, NM_001407071.1); c.-7+3G>A (NM_001407072.1); short protein forms W12*.
Identifiers: ClinVar variation 422159 (VCV000422159.14), dbSNP rs1064795596, ClinGen allele CA16617170.

ClinVar aggregate classification (germline): Pathogenic/Likely pathogenic. Review status: criteria provided, multiple submitters, no conflicts (2 of 4 stars). 5 submissions from 5 submitters: Pathogenic (1); Likely pathogenic (4). Last evaluated 2024-11-09.

Conditions:
Hereditary cancer-predisposing syndrome. Also called: Neoplastic Syndromes, Hereditary; Hereditary Cancer Syndrome; Tumor predisposition; Hereditary neoplastic syndrome. Identifiers: Orphanet 140162, MedGen C0027672, MeSH D009386, MONDO:0015356.
Familial adenomatous polyposis 2. Also called: FAP type 2; COLORECTAL ADENOMATOUS POLYPOSIS, AUTOSOMAL RECESSIVE; MYH-associated polyposis; MUTYH-associated polyposis; Adenomas, multiple colorectal; ADENOMAS, MULTIPLE COLORECTAL, AUTOSOMAL RECESSIVE. Identifiers: Orphanet 220460, Orphanet 247798, MedGen C3272841, MONDO:0012041, OMIM 608456.

gnomAD v4.1: 1 of 1,613,844 alleles (0.000062%); highest among the groups gnomAD compares: Admixed American, 0.0017%; no homozygotes.

Submissions (5):

Labcorp Genetics (formerly Invitae), Labcorp
Classification: Pathogenic for Familial adenomatous polyposis 2. Last evaluated: 2024-11-09. Review status: criteria provided, single submitter. Criteria: Invitae Variant Classification Sherloc (09022015). Collection method: clinical testing. Allele origin: germline.
Comment: This sequence change creates a premature translational stop signal (p.Trp12*) in the MUTYH gene. It is expected to result in an absent or disrupted protein product. Loss-of-function variants in MUTYH are known to be pathogenic (PMID: 18534194, 20663686). This variant is not present in population databases (gnomAD no frequency). This variant has not been reported in the literature in individuals affected with MUTYH-related conditions. ClinVar contains an entry for this variant (Variation ID: 422159). For these reasons, this variant has been classified as Pathogenic.

Ambry Genetics
Classification: Likely pathogenic for Hereditary cancer-predisposing syndrome. Last evaluated: 2024-10-28. Review status: criteria provided, single submitter. Criteria: Ambry Variant Classification Scheme 2023. Collection method: clinical testing. Allele origin: germline.
Comment: The p.W12* variant (also known as c.35G>A), located in coding exon 1 of the MUTYH gene, results from a G to A substitution at nucleotide position 35. This changes the amino acid from a tryptophan to a stop codon within coding exon 1. The predicted stop codon occurs in the 5&rsquo; end of theMUTYH gene. Premature termination codons in the 5&rsquo; end of a gene have been reported to escape nonsense-mediated mRNAdecay and/or lead to re-initiation (Rivas et al. Science. 2015 May 8;348(6235):666-9; Lindeboom et al. Nat Genet. 2016 Oct;48(10):1112-8; Rhee et al. Sci Rep. 2017 May 10;7(1):1653). Direct evidence for this alteration is unavailable, however premature termination codons are typically deleterious in nature. This variant is considered to be rare based on population cohorts in the Genome Aggregation Database (gnomAD). Based on the majority of available evidence to date, this variant is likely to be pathogenic.

Baylor Genetics
Classification: Likely pathogenic for Familial adenomatous polyposis 2. Last evaluated: 2023-10-09. Review status: criteria provided, single submitter. Criteria: ACMG Guidelines, 2015. Collection method: clinical testing. Allele origin: unknown.

Quest Diagnostics Nichols Institute San Juan Capistrano
Classification: Likely pathogenic. Last evaluated: 2023-08-04. Review status: criteria provided, single submitter. Criteria: Quest Diagnostics criteria. Collection method: clinical testing. Allele origin: unknown.
Comment: NMD is expected as a result of this variant, and therefore the loss of a functional protein. This variant has not been reported in the published literature. It also has not been reported in large, multi-ethnic general populations (Genome Aggregation Database). Based on the available information, this variant is classified as likely pathogenic.

GeneDx
Classification: Likely pathogenic. Last evaluated: 2016-08-31. Review status: criteria provided, single submitter. Criteria: GeneDx Variant Classification (06012015). Collection method: clinical testing. Allele origin: germline. Affected: yes.
Comment: This variant is denoted MUTYH c.35G>A at the cDNA level and p.Trp12Ter (W12X) at the protein level. The substitution creates a nonsense variant, which changes a Tryptophan to a premature stop codon (TGG>TAG), and is predicted to cause loss of normal protein function through either protein truncation or nonsense-mediated mRNA decay. Although this variant has not, to our knowledge, been reported in the literature, it is considered likely pathogenic.

Literature cited by the submitters: PubMed 18534194 (cited by Labcorp Genetics (formerly Invitae), Labcorp); PubMed 20663686 (cited by Labcorp Genetics (formerly Invitae), Labcorp).